The following is an entry in ClinVar:

ClinVar aggregate classification (germline): Uncertain significance (1 of 4 stars; one submission).

Conditions:
Dystonia 12 (DYT12). Also called: Rapid-Onset Dystonia-Parkinsonism (RDP); DYT-ATP1A3. Identifiers: Orphanet 71517, MedGen C1868681, MONDO:0007496, OMIM 128235.

Submission:

Labcorp Genetics (formerly Invitae), Labcorp
Classification: Uncertain significance for Dystonia 12. Last evaluated: 2022-01-14. Review status: criteria provided, single submitter. Criteria: Invitae Variant Classification Sherloc (09022015). Collection method: clinical testing. Allele origin: germline.
Comment: This variant has not been reported in the literature in individuals affected with ATP1A3-related conditions. ClinVar contains an entry for this variant (Variation ID: 1013715). Advanced modeling of protein sequence and biophysical properties (such as structural, functional, and spatial information, amino acid conservation, physicochemical variation, residue mobility, and thermodynamic stability) performed at Invitae indicates that this missense variant is expected to disrupt ATP1A3 protein function. In summary, the available evidence is currently insufficient to determine the role of this variant in disease. Therefore, it has been classified as a Variant of Uncertain Significance. This variant is not present in population databases (gnomAD no frequency). This sequence change replaces threonine, which is neutral and polar, with isoleucine, which is neutral and non-polar, at codon 929 of the ATP1A3 protein (p.Thr929Ile).

NM_152296.5(ATP1A3):c.2786C>T (p.Thr929Ile)

Gene: ATP1A3 (ATPase Na+/K+ transporting subunit alpha 3; minus strand). Cytogenetic location: 19q13.2.
Variant type: single nucleotide variant.
Coding change: c.2786C>T on transcript NM_152296.5 (MANE Select); coding-DNA position 2786, C replaced by T.
Protein change: p.Thr929Ile; replaces threonine 929 with isoleucine.
Molecular consequence: missense variant.
Genome position (GRCh38, 1-based): chr19:41,968,818, G>A on the plus strand (C>T on the coding strand, the complement: ATP1A3 is on the minus strand). VCF-style: chr19-41968818-G-A. GRCh37 (hg19) VCF-style: chr19-42472970-G-A.
Other names: c.2819C>T, p.Thr940Ile (NM_001256213.2); c.2825C>T, p.Thr942Ile (NM_001256214.2); short protein forms T929I, T940I, T942I.
Identifiers: ClinVar variation 1013715 (VCV001013715.8), dbSNP rs2075071279, ClinGen allele CA406035885.